The following is an entry in ClinVar:

NM_004818.3(DDX23):c.235C>G (p.Arg79Gly)

Gene: DDX23 (DEAD-box helicase 23; minus strand). Cytogenetic location: 12q13.12.
Variant type: single nucleotide variant.
Coding change: c.235C>G on transcript NM_004818.3 (MANE Select); coding-DNA position 235, C replaced by G.
Protein change: p.Arg79Gly; replaces arginine 79 with glycine.
Molecular consequence: missense variant.
Genome position (GRCh38, 1-based): chr12:48,844,025, G>C on the plus strand (C>G on the coding strand, the complement: DDX23 is on the minus strand). VCF-style: chr12-48844025-G-C. GRCh37 (hg19) VCF-style: chr12-49237808-G-C.
Other names: short protein forms R79G.
Identifiers: ClinVar variation 3901784 (VCV003901784.1).

ClinVar aggregate classification (germline): Uncertain significance (1 of 4 stars; one submission).

Submission:

GeneDx
Classification: Uncertain significance. Last evaluated: 2024-12-03. Review status: criteria provided, single submitter. Criteria: GeneDx Variant Classification Process June 2021. Collection method: clinical testing. Allele origin: germline. Affected: yes.
Comment: Not observed at significant frequency in large population cohorts (gnomAD); In silico analysis supports that this missense variant has a deleterious effect on protein structure/function; Has not been previously published as pathogenic or benign to our knowledge